The following is an entry in ClinVar:

ClinVar aggregate classification (germline): Uncertain significance (1 of 4 stars; one submission).

Conditions:
Developmental and epileptic encephalopathy, 25 (DEE25). Also called: Epileptic encephalopathy, early infantile, 25; Developmental and epileptic encephalopathy 25, with amelogenesis imperfecta; Epileptic encephalopathy, early infantile, 25, with amelogenesis imperfecta. Identifiers: Orphanet 442835, MedGen C4014621, MONDO:0014392, OMIM 615905.

Allele frequency attached by ClinVar (database versions not stated): gnomAD exomes below 0.00001 and 0.00001.

Submission:

Labcorp Genetics (formerly Invitae), Labcorp
Classification: Uncertain significance for Developmental and epileptic encephalopathy, 25. Last evaluated: 2021-08-31. Review status: criteria provided, single submitter. Criteria: Invitae Variant Classification Sherloc (09022015). Collection method: clinical testing. Allele origin: germline.
Comment: This sequence change replaces arginine with cysteine at codon 102 of the SLC13A5 protein (p.Arg102Cys). The arginine residue is weakly conserved and there is a large physicochemical difference between arginine and cysteine. This variant is not present in population databases (ExAC no frequency). This variant has not been reported in the literature in individuals affected with SLC13A5-related conditions. Algorithms developed to predict the effect of missense changes on protein structure and function are either unavailable or do not agree on the potential impact of this missense change (SIFT: "Deleterious"; PolyPhen-2: "Possibly Damaging"; Align-GVGD: "Class C15"). In summary, the available evidence is currently insufficient to determine the role of this variant in disease. Therefore, it has been classified as a Variant of Uncertain Significance.

NM_177550.5(SLC13A5):c.304C>T (p.Arg102Cys)

Gene: SLC13A5 (solute carrier family 13 member 5; minus strand). Cytogenetic location: 17p13.1.
Variant type: single nucleotide variant.
Coding change: c.304C>T on transcript NM_177550.5 (MANE Select); coding-DNA position 304, C replaced by T.
Protein change: p.Arg102Cys; replaces arginine 102 with cysteine.
Molecular consequence: missense variant.
Genome position (GRCh38, 1-based): chr17:6,706,706, G>A on the plus strand (C>T on the coding strand, the complement: SLC13A5 is on the minus strand). VCF-style: chr17-6706706-G-A. GRCh37 (hg19) VCF-style: chr17-6610025-G-A.
Other names: c.304C>T, p.Arg102Cys (NM_001143838.3, NM_001284509.2); c.175C>T, p.Arg59Cys (NM_001284510.2); short protein forms R102C, R59C.
Identifiers: ClinVar variation 961368 (VCV000961368.7), dbSNP rs1435998726, ClinGen allele CA397750895.